The following is an entry in ClinVar:

NM_002303.6(LEPR):c.800T>G (p.Leu267Arg)

Gene: LEPR (leptin receptor; plus strand). Cytogenetic location: 1p31.3.
Variant type: single nucleotide variant.
Coding change: c.800T>G on transcript NM_002303.6 (MANE Select); coding-DNA position 800, T replaced by G.
Protein change: p.Leu267Arg; replaces leucine 267 with arginine.
Molecular consequence: missense variant.
Genome position (GRCh38, 1-based): chr1:65,596,544, T>G. VCF-style: chr1-65596544-T-G. GRCh37 (hg19) VCF-style: chr1-66062227-T-G.
Other names: c.800T>G, p.Leu267Arg (NM_001003679.3, NM_001003680.3, NM_001198687.2 and 2 more transcripts); short protein forms L267R.
Identifiers: ClinVar variation 4995860 (VCV004995860.1).
Genomic context (GRCh38, chr1:65,596,544, plus strand): 5'-TCACAGATGATGGTAATTTAAAGATTTCTTGGTCCAGCCCACCATTGGTACCATTTCCAC[T>G]TCAATATCAAGTGAAATATTCAGAGAATTCTACAACAGTTATCAGAGAAGTAAGTATATT-3'
Protein context (NP_002294.2, residues 257-277): WSSPPLVPFP[Leu267Arg]QYQVKYSENS

ClinVar aggregate classification (germline): Uncertain significance (1 of 4 stars; one submission).

Conditions:
LEPR-related disorder. Also called: LEPR-related condition; LEPR-related disorders.

Submission:

PreventionGenetics, part of Exact Sciences
Classification: Uncertain significance for LEPR-related condition. Last evaluated: 2026-03-07. Review status: criteria provided, single submitter. Criteria: ACMG Guidelines, 2015. Collection method: clinical testing. Allele origin: germline.
Comment: The LEPR c.800T>G variant is predicted to result in the amino acid substitution p.Leu267Arg. To our knowledge, this variant has not been reported in the literature or in a large population database (gnomAD), indicating this variant is rare. At this time, the clinical significance of this variant is uncertain due to the absence of conclusive functional and genetic evidence.